The following is an entry in ClinVar:

NM_170699.3(GPBAR1):c.932_935delinsTA (p.Pro311fs)

Gene: GPBAR1 (G protein-coupled bile acid receptor 1; plus strand). Cytogenetic location: 2q35.
Variant type: Indel.
Coding change: c.932_935delinsTA on transcript NM_170699.3 (MANE Select); coding-DNA positions 932 to 935, CCGG replaced by TA.
Protein change: p.Pro311fs; shifts the reading frame from proline 311.
Molecular consequence: frameshift variant.
Genome position (GRCh38, 1-based): chr2:218,263,656-218,263,659, CCGG replaced by TA. VCF-style: chr2-218263656-CCGG-TA. GRCh37 (hg19) VCF-style: chr2-219128379-CCGG-TA.
Other names: c.932_935delinsTA, p.Pro311fs (NM_001077191.2, NM_001077194.2, NM_001321950.2); short protein forms P311fs.
Identifiers: ClinVar variation 5001299 (VCV005001299.1).

ClinVar aggregate classification (germline): Uncertain significance (1 of 4 stars; one submission).

Conditions:
GPBAR1-related disorder. Also called: GPBAR1-related condition.

Submission:

PreventionGenetics, part of Exact Sciences
Classification: Uncertain significance for GPBAR1-related condition. Last evaluated: 2025-07-17. Review status: criteria provided, single submitter. Criteria: ACMG Guidelines, 2015. Collection method: clinical testing. Allele origin: germline.
Comment: The GPBAR1 c.932_935delinsTA variant is predicted to result in a frameshift and premature protein termination (p.Pro311Leufs*56). To our knowledge, this variant has not been reported in the literature or in a large population database (gnomAD), indicating this variant is rare. This frameshift variant is located in the terminal exon. At this time, the clinical significance of this variant is uncertain due to the absence of conclusive functional and genetic evidence.